The following is an entry in ClinVar:

ClinVar aggregate classification (germline): Likely benign (1 of 4 stars; one submission).

Allele frequency attached by ClinVar (database versions not stated): TOPMed 0.00003; gnomAD 0.00004; ExAC 0.00007.
gnomAD v4.1: 69 of 1,610,216 alleles (0.0043%); highest among the groups gnomAD compares: South Asian, 0.024%; no homozygotes.

Submission:

CeGaT Center for Human Genetics Tuebingen
Classification: Likely benign. Last evaluated: 2022-05-01. Review status: criteria provided, single submitter. Criteria: CeGaT Center For Human Genetics Tuebingen Variant Classification Criteria Version 2. Collection method: clinical testing. Allele origin: germline. Affected: yes. Observed: 1 variant allele.
Comment: ZMIZ1: BP4, BP7

NM_020338.4(ZMIZ1):c.1680C>T (p.Asp560=)

Gene: ZMIZ1 (zinc finger MIZ-type containing 1; plus strand). Cytogenetic location: 10q22.3.
Variant type: single nucleotide variant.
Coding change: c.1680C>T on transcript NM_020338.4 (MANE Select); coding-DNA position 1680, C replaced by T.
Protein change: p.Asp560=; no amino-acid change (aspartic acid 560 retained).
Molecular consequence: synonymous variant.
Genome position (GRCh38, 1-based): chr10:79,299,063, C>T. VCF-style: chr10-79299063-C-T. GRCh37 (hg19) VCF-style: chr10-81058820-C-T.
Identifiers: ClinVar variation 2640638 (VCV002640638.24), dbSNP rs775843491, ClinGen allele CA5572776.
Genomic context (GRCh38, chr10:79,299,063, plus strand): 5'-ATGGCAGCTGAGGCTTGTGGCTCACCCACCTCCTCTCCTCGCCCCAGCCAACCACAATGA[C>T]GAGCTGCGGCTCACATTCCCTGTGCGGGATGGCGTGGTGCTGGAGCCCTTCCGCCTGGAG-3'
Protein context (NP_065071.1, residues 550-570): ALPPPPANHN[Asp560=]ELRLTFPVRD